The following is an entry in ClinVar:

NM_001853.4(COL9A3):c.103G>A (p.Gly35Ser)

Gene: COL9A3 (collagen type IX alpha 3 chain; plus strand). Cytogenetic location: 20q13.33.
Variant type: single nucleotide variant.
Coding change: c.103G>A on transcript NM_001853.4 (MANE Select); coding-DNA position 103, G replaced by A.
Protein change: p.Gly35Ser; replaces glycine 35 with serine.
Molecular consequence: missense variant.
Genome position (GRCh38, 1-based): chr20:62,817,591, G>A. VCF-style: chr20-62817591-G-A. GRCh37 (hg19) VCF-style: chr20-61448943-G-A.
Other names: short protein forms G35S.
Identifiers: ClinVar variation 1440462 (VCV001440462.6), dbSNP rs1451642775, ClinGen allele CA409587109.

ClinVar aggregate classification (germline): Uncertain significance (1 of 4 stars; one submission).

Allele frequency attached by ClinVar (database versions not stated): gnomAD exomes 0.00001; TOPMed 0.00001; gnomAD 0.00002.

Submission:

Labcorp Genetics (formerly Invitae), Labcorp
Classification: Uncertain significance. Last evaluated: 2022-08-23. Review status: criteria provided, single submitter. Criteria: Invitae Variant Classification Sherloc (09022015). Collection method: clinical testing. Allele origin: germline.
Comment: This sequence change replaces glycine, which is neutral and non-polar, with serine, which is neutral and polar, at codon 35 of the COL9A3 protein (p.Gly35Ser). This variant is present in population databases (no rsID available, gnomAD 0.009%). This variant has not been reported in the literature in individuals affected with COL9A3-related conditions. ClinVar contains an entry for this variant (Variation ID: 1440462). Advanced modeling of protein sequence and biophysical properties (such as structural, functional, and spatial information, amino acid conservation, physicochemical variation, residue mobility, and thermodynamic stability) performed at Invitae indicates that this missense variant is expected to disrupt COL9A3 protein function. Algorithms developed to predict the effect of sequence changes on RNA splicing suggest that this variant may create or strengthen a splice site. In summary, the available evidence is currently insufficient to determine the role of this variant in disease. Therefore, it has been classified as a Variant of Uncertain Significance.